The following is an entry in ClinVar:

ClinVar aggregate classification (germline): Uncertain significance (1 of 4 stars; one submission).

Conditions:
Cardiovascular phenotype. Identifiers: MedGen CN230736.

Submission:

Ambry Genetics
Classification: Uncertain significance for Cardiovascular phenotype. Last evaluated: 2026-06-30. Review status: criteria provided, single submitter. Criteria: Ambry Variant Classification Scheme 2023. Collection method: clinical testing. Allele origin: germline.
Comment: The c.576G>A variant (also known as p.Q192Q), located in coding exon 5 of the AKAP9 gene, results from a G to A substitution at nucleotide position 576. This nucleotide substitution does not change the amino acid at codon 192. However, this change occurs in the last base pair of coding exon 5, which makes it likely to have some effect on normal mRNA splicing. This nucleotide position is well conserved in available vertebrate species. In silico splice site analysis predicts that this alteration will not have any significant effect on splicing. The evidence for this gene-disease relationship is limited; therefore, the clinical significance of this variant is unclear.

NM_005751.5(AKAP9):c.576G>A (p.Gln192=)

Gene: AKAP9 (A-kinase anchoring protein 9; plus strand). Cytogenetic location: 7q21.2.
Variant type: single nucleotide variant.
Coding change: c.576G>A on transcript NM_005751.5 (MANE Select); coding-DNA position 576, G replaced by A.
Protein change: p.Gln192=; no amino-acid change (glutamine 192 retained).
Molecular consequence: synonymous variant.
Genome position (GRCh38, 1-based): chr7:91,993,055, G>A. VCF-style: chr7-91993055-G-A. GRCh37 (hg19) VCF-style: chr7-91622369-G-A.
Other names: c.576G>A, p.Gln192= (NM_147185.3).
Identifiers: ClinVar variation 5033865 (VCV005033865.1).
Genomic context (GRCh38, chr7:91,993,055, plus strand): 5'-AGAGCTAAACAGAGAGCTGGAAGAAATGAGGGTTACCTATGGGACTGAAGGACTGCAGCA[G>A]GTATGTTTATTTTCTGTGGCTTTTGATTTGCTACTCACAAAAACAAAAACAGGAAATGTG-3'
Protein context (NP_005742.4, residues 182-202): RVTYGTEGLQ[Gln192=]LQEFEAAIKQ